The following is an entry in ClinVar:

ClinVar aggregate classification (germline): Uncertain significance. Review status: criteria provided, multiple submitters, no conflicts (2 of 4 stars). 2 submissions from 2 submitters: Uncertain significance (2). Last evaluated 2025-03-28.

Conditions:
Hereditary cancer-predisposing syndrome. Also called: Tumor predisposition; Hereditary neoplastic syndrome; Hereditary Cancer Syndrome; Neoplastic Syndromes, Hereditary. Identifiers: Orphanet 140162, MedGen C0027672, MeSH D009386, MONDO:0015356.

Submissions (2):

Ambry Genetics
Classification: Uncertain significance for Hereditary cancer-predisposing syndrome. Last evaluated: 2025-03-28. Review status: criteria provided, single submitter. Criteria: Ambry Variant Classification Scheme 2023. Collection method: clinical testing. Allele origin: germline.
Comment: The p.P436T variant (also known as c.1306C>A), located in coding exon 13 of the POLE gene, results from a C to A substitution at nucleotide position 1306. The proline at codon 436 is replaced by threonine, an amino acid with highly similar properties. This amino acid position is highly conserved in available vertebrate species. In addition, this alteration is predicted to be deleterious by in silico analysis. Based on the available evidence, the clinical significance of this variant remains unclear.

Labcorp Genetics (formerly Invitae), Labcorp
Classification: Uncertain significance. Last evaluated: 2022-04-18. Review status: criteria provided, single submitter. Criteria: Invitae Variant Classification Sherloc (09022015). Collection method: clinical testing. Allele origin: germline.
Comment: In summary, the available evidence is currently insufficient to determine the role of this variant in disease. Therefore, it has been classified as a Variant of Uncertain Significance. This sequence change replaces proline, which is neutral and non-polar, with threonine, which is neutral and polar, at codon 436 of the POLE protein (p.Pro436Thr). This variant is not present in population databases (gnomAD no frequency). This variant has not been reported in the literature in individuals affected with POLE-related conditions. ClinVar contains an entry for this variant (Variation ID: 575782). Algorithms developed to predict the effect of missense changes on protein structure and function are either unavailable or do not agree on the potential impact of this missense change (SIFT: "Deleterious"; PolyPhen-2: "Probably Damaging"; Align-GVGD: "Class C0").

NM_006231.4(POLE):c.1306C>A (p.Pro436Thr)

Gene: POLE (DNA polymerase epsilon, catalytic subunit; minus strand). Cytogenetic location: 12q24.33.
Variant type: single nucleotide variant.
Coding change: c.1306C>A on transcript NM_006231.4 (MANE Select); coding-DNA position 1306, C replaced by A.
Protein change: p.Pro436Thr; replaces proline 436 with threonine.
Molecular consequence: missense variant.
Genome position (GRCh38, 1-based): chr12:132,673,628, G>T on the plus strand (C>A on the coding strand, the complement: POLE is on the minus strand). VCF-style: chr12-132673628-G-T. GRCh37 (hg19) VCF-style: chr12-133250214-G-T.
Other names: c.1306C>A (NM_006231.2); short protein forms P436T.
Identifiers: ClinVar variation 575782 (VCV000575782.7), dbSNP rs1565973210, ClinGen allele CA387359370.